The following is an entry in ClinVar:

ClinVar aggregate classification (germline): Conflicting classifications of pathogenicity. Review status: criteria provided, conflicting classifications (1 of 4 stars). 3 submissions from 3 submitters: Likely pathogenic (2); Uncertain significance (1). Last evaluated 2025-10-28.

Conditions:
Karyomegalic interstitial nephritis. Identifiers: Orphanet 401996, MedGen C3553774, MONDO:0013898, OMIM 614817.
FAN1-related disorder. Also called: FAN1-related condition.

Submissions (3):

PreventionGenetics, part of Exact Sciences
Classification: Likely pathogenic for FAN1-related condition. Last evaluated: 2025-10-28. Review status: criteria provided, single submitter. Criteria: ACMG Guidelines, 2015. Collection method: clinical testing. Allele origin: germline.
Comment: The FAN1 c.706_709delATAA variant is predicted to result in a frameshift and premature protein termination (p.Ile236Trpfs*39). To our knowledge, this variant has not been reported in the literature. This variant is reported in 0.0031% of alleles in individuals of European (Non-Finnish) descent in gnomAD. Frameshift variants in FAN1 are expected to be pathogenic. This variant is interpreted as likely pathogenic.

GeneDx
Classification: Uncertain significance. Last evaluated: 2024-09-19. Review status: criteria provided, single submitter. Criteria: GeneDx Variant Classification Process June 2021. Collection method: clinical testing. Allele origin: germline. Affected: yes.
Comment: Frameshift variant predicted to result in protein truncation or nonsense mediated decay in a gene for which loss of function is a known mechanism of disease; Has not been previously published as pathogenic or benign to our knowledge

Fulgent Genetics
Classification: Likely pathogenic for Karyomegalic interstitial nephritis. Last evaluated: 2024-02-24. Review status: criteria provided, single submitter. Criteria: ACMG Guidelines, 2015. Collection method: clinical testing. Allele origin: germline.

NM_014967.5(FAN1):c.706_709del (p.Ile236fs)

Gene: FAN1 (FANCD2 and FANCI associated nuclease 1; plus strand). Cytogenetic location: 15q13.3.
Variant type: Deletion.
Coding change: c.706_709del on transcript NM_014967.5 (MANE Select); coding-DNA positions 706 to 709, 4 bases deleted (ATAA; older notation c.706_709delATAA).
Protein change: p.Ile236fs; shifts the reading frame from isoleucine 236.
Molecular consequence: frameshift variant.
Genome position (GRCh38, 1-based): chr15:30,905,369-30,905,372, ATAA deleted; deleting any 4 consecutive bases within chr15:30,905,367-30,905,372 gives the same sequence; the c. name uses the placement nearest the transcript's 3' end. VCF-style (leftmost placement, unchanged base first): chr15-30905366-AAAAT-A. GRCh37 (hg19) VCF-style: chr15-31197569-AAAAT-A.
Other names: c.706_709delATAA (NM_014967.4); c.706_709del (NM_014967.4); c.706_709del, p.Ile236fs (NM_001146094.2, NM_001146095.1, NM_001146096.2); short protein forms I236fs.
Identifiers: ClinVar variation 3576978 (VCV003576978.3).